The following is an entry in ClinVar:

NM_004304.5(ALK):c.4724G>C (p.Arg1575Pro)

Gene: ALK (ALK receptor tyrosine kinase; minus strand). Cytogenetic location: 2p23.2.
Variant type: single nucleotide variant.
Coding change: c.4724G>C on transcript NM_004304.5 (MANE Select); coding-DNA position 4724, G replaced by C.
Protein change: p.Arg1575Pro; replaces arginine 1575 with proline.
Molecular consequence: missense variant.
Genome position (GRCh38, 1-based): chr2:29,193,363, C>G on the plus strand (G>C on the coding strand, the complement: ALK is on the minus strand). VCF-style: chr2-29193363-C-G. GRCh37 (hg19) VCF-style: chr2-29416229-C-G.
Other names: c.1520G>C, p.Arg507Pro (NM_001353765.2); short protein forms R1575P, R507P.
Identifiers: ClinVar variation 570981 (VCV000570981.12), dbSNP rs745349865, ClinGen allele CA1593502.
Genomic context (GRCh38, chr2:29,193,363, plus strand): 5'-GCTTCTAAGGGCAAGCCCTGTTGCTGGTAGCCGTAATTGACATTCCCACAAGGGAAGTGA[C>G]GTAGCCTGAACAGAGGTACCTCCTTCATATTGGCAGTCAGCGAAGAGGGCTCTAGGAGCA-3'
Protein context (NP_004295.2, residues 1565-1585): NMKEVPLFRL[Arg1575Pro]HFPCGNVNYG

ClinVar aggregate classification (germline): Uncertain significance. Review status: criteria provided, multiple submitters, no conflicts (2 of 4 stars). 2 submissions from 2 submitters: Uncertain significance (2). Last evaluated 2025-01-13.

Conditions:
Hereditary cancer-predisposing syndrome. Also called: Hereditary neoplastic syndrome; Neoplastic Syndromes, Hereditary; Hereditary Cancer Syndrome; Tumor predisposition. Identifiers: Orphanet 140162, MedGen C0027672, MeSH D009386, MONDO:0015356.
Neuroblastoma, susceptibility to, 3. Also called: ALK-Related Neuroblastic Tumor Susceptibility. Identifiers: Orphanet 635, MedGen C2751681, MONDO:0013083, OMIM 613014.

gnomAD v4.1: 9 of 1,614,164 alleles (0.00056%); highest among the groups gnomAD compares: Non-Finnish European, 0.00076%; no homozygotes.

Submissions (2):

Ambry Genetics
Classification: Uncertain significance for Hereditary cancer-predisposing syndrome. Last evaluated: 2025-01-13. Review status: criteria provided, single submitter. Criteria: Ambry Variant Classification Scheme 2023. Collection method: clinical testing. Allele origin: germline.
Comment: The p.R1575P variant (also known as c.4724G>C), located in coding exon 29 of the ALK gene, results from a G to C substitution at nucleotide position 4724. The arginine at codon 1575 is replaced by proline, an amino acid with dissimilar properties. This amino acid position is conserved. In addition, the in silico prediction for this alteration is inconclusive. Since supporting evidence is limited at this time, the clinical significance of this alteration remains unclear.

Labcorp Genetics (formerly Invitae), Labcorp
Classification: Uncertain significance for Neuroblastoma, susceptibility to, 3. Last evaluated: 2024-11-13. Review status: criteria provided, single submitter. Criteria: Invitae Variant Classification Sherloc (09022015). Collection method: clinical testing. Allele origin: germline.
Comment: This sequence change replaces arginine, which is basic and polar, with proline, which is neutral and non-polar, at codon 1575 of the ALK protein (p.Arg1575Pro). This variant is present in population databases (rs745349865, gnomAD 0.004%). This variant has not been reported in the literature in individuals affected with ALK-related conditions. ClinVar contains an entry for this variant (Variation ID: 570981). An algorithm developed to predict the effect of missense changes on protein structure and function (PolyPhen-2) suggests that this variant is likely to be disruptive. In summary, the available evidence is currently insufficient to determine the role of this variant in disease. Therefore, it has been classified as a Variant of Uncertain Significance.